The following is an entry in ClinVar:

ClinVar aggregate classification (germline): Conflicting classifications of pathogenicity. Review status: criteria provided, conflicting classifications (1 of 4 stars). 7 submissions from 7 submitters: Uncertain significance (6); Benign (1). Last evaluated 2026-01-26.

Conditions:
Neuroblastoma, susceptibility to, 3. Also called: ALK-Related Neuroblastic Tumor Susceptibility. Identifiers: Orphanet 635, MedGen C2751681, MONDO:0013083, OMIM 613014.
Hereditary cancer-predisposing syndrome. Also called: Neoplastic Syndromes, Hereditary; Tumor predisposition; Hereditary Cancer Syndrome; Hereditary neoplastic syndrome. Identifiers: Orphanet 140162, MedGen C0027672, MeSH D009386, MONDO:0015356.

Allele frequency attached by ClinVar (database versions not stated): gnomAD exomes 0.00003; ExAC 0.00005; gnomAD 0.00019 and 0.00020; 1000 Genomes Project 0.00020; TOPMed 0.00022; ESP Exome Variant Server 0.00023; 1000 Genomes Project 30x 0.00031.
gnomAD v4.1: 49 of 1,614,150 alleles (0.003%); highest among the groups gnomAD compares: African/African-American, 0.055%; no homozygotes.

Submissions (7):

Labcorp Genetics (formerly Invitae), Labcorp
Classification: Uncertain significance for Neuroblastoma, susceptibility to, 3. Last evaluated: 2026-01-26. Review status: criteria provided, single submitter. Criteria: Invitae Variant Classification Sherloc (09022015). Collection method: clinical testing. Allele origin: germline.
Comment: This sequence change replaces lysine, which is basic and polar, with methionine, which is neutral and non-polar, at codon 383 of the ALK protein (p.Lys383Met). This variant is present in population databases (rs140928266, gnomAD 0.05%), and has an allele count higher than expected for a pathogenic variant. This variant has not been reported in the literature in individuals affected with ALK-related conditions. ClinVar contains an entry for this variant (Variation ID: 538201). An algorithm developed to predict the effect of missense changes on protein structure and function (PolyPhen-2) suggests that this variant is likely to be disruptive. In summary, the available evidence is currently insufficient to determine the role of this variant in disease. Therefore, it has been classified as a Variant of Uncertain Significance.

GeneDx
Classification: Uncertain significance. Last evaluated: 2025-08-19. Review status: criteria provided, single submitter. Criteria: GeneDx Variant Classification Process June 2021. Collection method: clinical testing. Allele origin: germline. Affected: yes.
Comment: In silico analysis suggests that this missense variant does not alter protein structure/function; Has not been previously published as pathogenic or benign to our knowledge

Ambry Genetics
Classification: Benign for Hereditary cancer-predisposing syndrome. Last evaluated: 2024-06-25. Review status: criteria provided, single submitter. Criteria: Ambry Variant Classification Scheme 2023. Collection method: clinical testing. Allele origin: germline.

Fulgent Genetics
Classification: Uncertain significance for Neuroblastoma, susceptibility to, 3. Last evaluated: 2024-06-20. Review status: criteria provided, single submitter. Criteria: ACMG Guidelines, 2015. Collection method: clinical testing. Allele origin: germline.

ARUP Laboratories, Molecular Genetics and Genomics, ARUP Laboratories
Classification: Uncertain significance for Neuroblastoma, susceptibility to, 3. Last evaluated: 2023-12-08. Review status: criteria provided, single submitter. Criteria: ARUP Molecular Germline Variant Investigation Process 2024. Collection method: clinical testing. Allele origin: germline.
Comment: The ALK c.1148A>T; p.Lys383Met variant (rs140928266), to our knowledge, is not reported in the medical literature but is reported in ClinVar (Variation ID: 538201). This variant is found in the African/African-American population with an allele frequency of 0.05% (12/24,966 alleles) in the Genome Aggregation Database (v2.1.1). Computational analyses predict that this variant is neutral (REVEL: 0.144). However, given the lack of clinical and functional data, the significance of this variant is uncertain at this time.

St. Jude Molecular Pathology, St. Jude Children's Research Hospital
Classification: Uncertain significance for Neuroblastoma, susceptibility to, 3. Last evaluated: 2023-10-16. Review status: criteria provided, single submitter. Criteria: St. Jude Assertion Criteria 2020. Collection method: clinical testing. Allele origin: germline.
Comment: The ALK c.1148A>T (p.Lys383Met) missense change has a maximum subpopulation frequency of 0.048% in gnomAD v2.1.1. The in silico tool REVEL predicts a benign effect on protein function, but to our knowledge this prediction has not been confirmed by functional studies. To our knowledge, this variant has not been reported in the literature in individuals with ALK-related neuroblastic tumor susceptibility. In summary, the evidence currently available is insufficient to determine the clinical significance of this variant. It has therefore been classified as of uncertain significance.

Baylor Genetics
Classification: Uncertain significance for Neuroblastoma, susceptibility to, 3. Last evaluated: 2023-10-01. Review status: criteria provided, single submitter. Criteria: ACMG Guidelines, 2015. Collection method: clinical testing. Allele origin: unknown.

NM_004304.5(ALK):c.1148A>T (p.Lys383Met)

Gene: ALK (ALK receptor tyrosine kinase; minus strand). Cytogenetic location: 2p23.2.
Variant type: single nucleotide variant.
Coding change: c.1148A>T on transcript NM_004304.5 (MANE Select); coding-DNA position 1148, A replaced by T.
Protein change: p.Lys383Met; replaces lysine 383 with methionine.
Molecular consequence: missense variant.
Genome position (GRCh38, 1-based): chr2:29,531,921, T>A on the plus strand (A>T on the coding strand, the complement: ALK is on the minus strand). VCF-style: chr2-29531921-T-A. GRCh37 (hg19) VCF-style: chr2-29754787-T-A.
Other names: short protein forms K383M.
Identifiers: ClinVar variation 538201 (VCV000538201.17), dbSNP rs140928266, ClinGen allele CA1594761.